The following is an entry in ClinVar:

ClinVar aggregate classification (germline): Uncertain significance (1 of 4 stars; one submission).

Conditions:
Hypertrophic cardiomyopathy. Also called: HYPERTROPHIC MYOCARDIOPATHY. Identifiers: Orphanet 217569, MedGen C0007194, MeSH D002312, MONDO:0005045, HP:0001639.

Allele frequency attached by ClinVar (database versions not stated): TOPMed 0.00001; ExAC 0.00001.
gnomAD v4.1: 24 of 1,613,028 alleles (0.0015%); highest among the groups gnomAD compares: Non-Finnish European, 0.002%; no homozygotes.

Submission:

Labcorp Genetics (formerly Invitae), Labcorp
Classification: Uncertain significance for Hypertrophic cardiomyopathy. Last evaluated: 2023-06-17. Review status: criteria provided, single submitter. Criteria: Invitae Variant Classification Sherloc (09022015). Collection method: clinical testing. Allele origin: germline.
Comment: This sequence change falls in intron 7 of the MYOM1 gene. It does not directly change the encoded amino acid sequence of the MYOM1 protein. It affects a nucleotide within the consensus splice site. This variant is present in population databases (rs759317965, gnomAD 0.0009%). This variant has not been reported in the literature in individuals affected with MYOM1-related conditions. ClinVar contains an entry for this variant (Variation ID: 2079517). Variants that disrupt the consensus splice site are a relatively common cause of aberrant splicing (PMID: 17576681, 9536098). Algorithms developed to predict the effect of sequence changes on RNA splicing suggest that this variant is not likely to affect RNA splicing. In summary, the available evidence is currently insufficient to determine the role of this variant in disease. Therefore, it has been classified as a Variant of Uncertain Significance.

Literature cited by the submitters: PubMed 17576681; PubMed 9536098.

NM_003803.4(MYOM1):c.1112-3T>C

Gene: MYOM1 (myomesin 1; minus strand). Cytogenetic location: 18p11.31.
Variant type: single nucleotide variant.
Coding change: c.1112-3T>C on transcript NM_003803.4 (MANE Select); 3 bases into the intron before coding-DNA position 1112, T replaced by C.
Molecular consequence: intron variant.
Genome position (GRCh38, 1-based): chr18:3,174,003, A>G on the plus strand (T>C on the coding strand, the complement: MYOM1 is on the minus strand). VCF-style: chr18-3174003-A-G. GRCh37 (hg19) VCF-style: chr18-3174001-A-G.
Other names: c.1112-3T>C (NM_019856.2).
Identifiers: ClinVar variation 2079517 (VCV002079517.4), dbSNP rs759317965, ClinGen allele CA8875044.